The following is an entry in ClinVar:

ClinVar aggregate classification (germline): Uncertain significance. Review status: criteria provided, multiple submitters, no conflicts (2 of 4 stars). 2 submissions from 2 submitters: Uncertain significance (2). Last evaluated 2025-03-03.

Conditions:
Bardet-Biedl syndrome (BBS). Identifiers: Orphanet 110, MedGen C0752166, MONDO:0015229.
Inborn genetic diseases. Identifiers: MedGen C0950123, MeSH D030342.

Allele frequency attached by ClinVar (database versions not stated): gnomAD exomes below 0.00001.
gnomAD v4.1: 3 of 1,613,462 alleles (0.00019%); highest among the groups gnomAD compares: Middle Eastern, 0.017%; no homozygotes.

Submissions (2):

Ambry Genetics
Classification: Uncertain significance for Inborn genetic diseases. Last evaluated: 2025-03-03. Review status: criteria provided, single submitter. Criteria: Ambry Variant Classification Scheme 2023. Collection method: clinical testing. Allele origin: germline.

Labcorp Genetics (formerly Invitae), Labcorp
Classification: Uncertain significance for Bardet-Biedl syndrome. Last evaluated: 2021-12-16. Review status: criteria provided, single submitter. Criteria: Invitae Variant Classification Sherloc (09022015). Collection method: clinical testing. Allele origin: germline.
Comment: In summary, the available evidence is currently insufficient to determine the role of this variant in disease. Therefore, it has been classified as a Variant of Uncertain Significance. Algorithms developed to predict the effect of missense changes on protein structure and function are either unavailable or do not agree on the potential impact of this missense change (SIFT: "Deleterious"; PolyPhen-2: "Benign"; Align-GVGD: "Class C55"). ClinVar contains an entry for this variant (Variation ID: 840594). This variant has not been reported in the literature in individuals affected with BBS9-related conditions. This variant is not present in population databases (gnomAD no frequency). This sequence change replaces alanine, which is neutral and non-polar, with valine, which is neutral and non-polar, at codon 368 of the BBS9 protein (p.Ala368Val).

NM_198428.3(BBS9):c.1103C>T (p.Ala368Val)

Gene: BBS9 (Bardet-Biedl syndrome 9; plus strand). Cytogenetic location: 7p14.3.
Variant type: single nucleotide variant.
Coding change: c.1103C>T on transcript NM_198428.3 (MANE Select); coding-DNA position 1103, C replaced by T.
Protein change: p.Ala368Val; replaces alanine 368 with valine.
Molecular consequence: missense variant. On other transcripts: non-coding transcript variant (3).
Genome position (GRCh38, 1-based): chr7:33,336,527, C>T. VCF-style: chr7-33336527-C-T. GRCh37 (hg19) VCF-style: chr7-33376139-C-T.
Other names: c.1103C>T, p.Ala368Val (NM_001033604.2, NM_001033605.2, NM_001348036.1 and 5 more transcripts); c.737C>T, p.Ala246Val (NM_001348037.3, NM_001348044.3, NM_001348045.3 and 1 more transcripts); c.830C>T, p.Ala277Val (NM_001348038.3, NM_001348039.3); c.968C>T, p.Ala323Val (NM_001348042.3); short protein forms A277V, A246V, A323V, A368V.
Identifiers: ClinVar variation 840594 (VCV000840594.9), dbSNP rs1815389952, ClinGen allele CA367254443.